The following is an entry in ClinVar:

NM_001009944.3(PKD1):c.12673C>T (p.Gln4225Ter)

Gene: PKD1 (polycystin 1, transient receptor potential channel interacting; minus strand). Cytogenetic location: 16p13.3.
Variant type: single nucleotide variant.
Coding change: c.12673C>T on transcript NM_001009944.3 (MANE Select); coding-DNA position 12673, C replaced by T.
Protein change: p.Gln4225Ter; replaces glutamine 4225 with a stop codon.
Molecular consequence: nonsense.
Genome position (GRCh38, 1-based): chr16:2,089,966, G>A on the plus strand (C>T on the coding strand, the complement: PKD1 is on the minus strand). VCF-style: chr16-2089966-G-A. GRCh37 (hg19) VCF-style: chr16-2139967-G-A.
Other names: c.12673C>T (NM_001009944.2); c.12670C>T, p.Gln4224Ter (NM_000296.4); c.12670C>T (NM_000296.3); short protein forms Q4225*, Q4224*.
Identifiers: ClinVar variation 873339 (VCV000873339.10), dbSNP rs2091395464, ClinGen allele CA394321060.

ClinVar aggregate classification (germline): Pathogenic/Likely pathogenic. Review status: criteria provided, multiple submitters, no conflicts (2 of 4 stars). 7 submissions from 7 submitters: Pathogenic (5); Likely pathogenic (1). 1 of the submissions does not count toward it. Last evaluated 2026-09-01.

Conditions:
PKD1-related disorder. Also called: PKD1-related condition.
Inborn genetic diseases. Identifiers: MedGen C0950123, MeSH D030342.
Polycystic kidney disease, adult type (PKD1). Also called: POLYCYSTIC KIDNEY DISEASE 1 WITH OR WITHOUT POLYCYSTIC LIVER DISEASE; Polycystic Kidney Disease 1, Autosomal Dominant; Polycystic kidney disease 1; Polycystic kidney disease 1, severe; Polycystic Kidney, Autosomal Dominant; POLYCYSTIC KIDNEY DISEASE, ADULT, TYPE I. Identifiers: MedGen C3149841, MONDO:0008263, OMIM 173900.

Submissions (7):

CeGaT Center for Human Genetics Tuebingen
Classification: Pathogenic. Last evaluated: 2026-09-01. Review status: criteria provided, single submitter. Criteria: CeGaT Center For Human Genetics Tuebingen Variant Classification Criteria Version 2. Collection method: clinical testing. Allele origin: germline. Affected: yes. Observed: 1 variant allele.
Comment: PKD1: PS4, PVS1:Strong, PM2

Fulgent Genetics
Classification: Pathogenic for Polycystic kidney disease, adult type. Last evaluated: 2024-04-04. Review status: criteria provided, single submitter. Criteria: ACMG Guidelines, 2015. Collection method: clinical testing. Allele origin: germline.

GeneDx
Classification: Likely pathogenic. Last evaluated: 2024-03-06. Review status: criteria provided, single submitter. Criteria: GeneDx Variant Classification Process June 2021. Collection method: clinical testing. Allele origin: germline. Affected: yes.
Comment: Nonsense variant predicted to result in protein truncation, as the last 79 amino acids are lost, and other loss-of-function variants have been reported downstream in HGMD; Not observed at significant frequency in large population cohorts (gnomAD); This variant is associated with the following publications: (PMID: 29529603, 34032358, 33454723, 36938073, 23300259)

(GEEPAD) Grupo de Estudio de la Enfermedad Poliquística Autosómica Dominante, Hospitales Universitarios Virgen de las Nieves y San Cecilio (Granada)
Classification: Pathogenic for Polycystic kidney disease, adult type. Last evaluated: 2022-08-03. Review status: criteria provided, single submitter. Criteria: ACMG Guidelines, 2015. Collection method: clinical testing. Allele origin: germline. Affected: yes. Observed: 1 variant allele.

Ambry Genetics
Classification: Pathogenic for Inborn genetic diseases. Last evaluated: 2022-01-03. Review status: criteria provided, single submitter. Criteria: Ambry Variant Classification Scheme 2023. Collection method: clinical testing. Allele origin: germline.
Comment: The c.12670C>T (p.Q4224*) alteration, located in exon 46 (coding exon 46) of the PKD1 gene, consists of a C to T substitution at nucleotide position 12670. This changes the amino acid from a glutamine (Q) to a stop codon at amino acid position 4224. This alteration occurs at the 3' terminus of the PKD1 gene, is not expected to trigger nonsense-mediated mRNA decay, and only impacts the last 78/4302 amino acids (1.8%) of the protein. However, premature stop codons are typically deleterious in nature and the impacted region is critical for protein function (Ambry internal data). This variant was not reported in population-based cohorts in the Genome Aggregation Database (gnomAD). This alteration has been detected in 6 index cases and 3 relatives with autosomal dominant polycystic kidney disease (Neumann, 2013). Based on the available evidence, this alteration is classified as pathogenic.

Cavalleri Lab, Royal College of Surgeons in Ireland
Classification: Pathogenic for Polycystic kidney disease, adult type. Last evaluated: 2020-02-05. Review status: criteria provided, single submitter. Criteria: ACMG Guidelines, 2015. Collection method: research. Allele origin: unknown. Inheritance: Autosomal dominant inheritance. Affected: yes.
Comment: PVS1, PM2, PP3, PP4,PP5

PreventionGenetics, part of Exact Sciences
Classification: Pathogenic for PKD1-related condition. Last evaluated: 2024-02-26. Review status: no assertion criteria provided. Collection method: clinical testing. Allele origin: germline. Not counted in ClinVar's aggregate classification.
Comment: The PKD1 c.12673C>T variant is predicted to result in premature protein termination (p.Gln4225*). This variant was reported in individuals with polycystic kidney disease (see for example, Neumann et al. 2013. PubMed ID: 23300259; Xu et al. 2018. PubMed ID: 29529603). This variant has not been reported in a large population database, indicating this variant is rare. Nonsense variants in PKD1 are expected to be pathogenic. This variant is interpreted as pathogenic.

Literature cited by the submitters: PubMed 23300259 (cited by Ambry Genetics).